The following is an entry in ClinVar:

NM_001080517.3(SETD5):c.2134G>A (p.Ala712Thr)

Gene: SETD5 (SET domain containing 5; plus strand). Cytogenetic location: 3p25.3.
Variant type: single nucleotide variant.
Coding change: c.2134G>A on transcript NM_001080517.3 (MANE Select); coding-DNA position 2134, G replaced by A.
Protein change: p.Ala712Thr; replaces alanine 712 with threonine.
Molecular consequence: missense variant.
Genome position (GRCh38, 1-based): chr3:9,448,418, G>A. VCF-style: chr3-9448418-G-A. GRCh37 (hg19) VCF-style: chr3-9490102-G-A.
Other names: c.1840G>A, p.Ala614Thr (NM_001292043.2, NM_001349451.2); c.2134G>A (NM_001080517.1); short protein forms A614T, A712T.
Identifiers: ClinVar variation 2196011 (VCV002196011.8), dbSNP rs376053762, ClinGen allele CA2239374.

ClinVar aggregate classification (germline): Conflicting classifications of pathogenicity. Review status: criteria provided, conflicting classifications (1 of 4 stars). 4 submissions from 4 submitters: Uncertain significance (3); Likely benign (1). Last evaluated 2026-05-01.

Conditions:
Inborn genetic diseases. Identifiers: MedGen C0950123, MeSH D030342.

Allele frequency attached by ClinVar (database versions not stated): gnomAD exomes below 0.00001; ExAC 0.00001; TOPMed 0.00006; gnomAD 0.00007; ESP Exome Variant Server 0.00008.
gnomAD v4.1: 12 of 1,613,964 alleles (0.00074%); highest among the groups gnomAD compares: African/African-American, 0.013%; no homozygotes.

Submissions (4):

CeGaT Center for Human Genetics Tuebingen
Classification: Uncertain significance. Last evaluated: 2026-05-01. Review status: criteria provided, single submitter. Criteria: CeGaT Center For Human Genetics Tuebingen Variant Classification Criteria Version 2. Collection method: clinical testing. Allele origin: germline. Affected: yes. Observed: 1 variant allele.
Comment: SETD5: PM2, BP4

Labcorp Genetics (formerly Invitae), Labcorp
Classification: Likely benign. Last evaluated: 2025-03-09. Review status: criteria provided, single submitter. Criteria: Invitae Variant Classification Sherloc (09022015). Collection method: clinical testing. Allele origin: germline.

Women's Health and Genetics/Laboratory Corporation of America, LabCorp
Classification: Uncertain significance. Last evaluated: 2025-03-06. Review status: criteria provided, single submitter. Criteria: LabCorp Variant Classification Summary - May 2015. Collection method: clinical testing. Allele origin: germline.
Comment: Variant summary: SETD5 c.2134G>A (p.Ala712Thr) results in a non-conservative amino acid change in the encoded protein sequence. Four of five in-silico tools predict a benign effect of the variant on protein function. The variant allele was found at a frequency of 4e-06 in 249004 control chromosomes (gnomAD). The available data on variant occurrences in the general population are insufficient to allow any conclusion about variant significance. To our knowledge, no occurrence of c.2134G>A in individuals affected with Mental Retardation, Autosomal Dominant 23 and no experimental evidence demonstrating its impact on protein function have been reported. ClinVar contains an entry for this variant (Variation ID: 2196011). Based on the evidence outlined above, the variant was classified as uncertain significance.

Ambry Genetics
Classification: Uncertain significance for Inborn genetic diseases. Last evaluated: 2025-02-14. Review status: criteria provided, single submitter. Criteria: Ambry Variant Classification Scheme 2023. Collection method: clinical testing. Allele origin: germline.